The following is an entry in ClinVar:

NM_001458.5(FLNC):c.648G>C (p.Glu216Asp)

Gene: FLNC (filamin C; plus strand). Cytogenetic location: 7q32.1.
Variant type: single nucleotide variant.
Coding change: c.648G>C on transcript NM_001458.5 (MANE Select); coding-DNA position 648, G replaced by C.
Protein change: p.Glu216Asp; replaces glutamic acid 216 with aspartic acid.
Molecular consequence: missense variant.
Genome position (GRCh38, 1-based): chr7:128,837,206, G>C. VCF-style: chr7-128837206-G-C. GRCh37 (hg19) VCF-style: chr7-128477260-G-C.
Other names: c.648G>C, p.Glu216Asp (NM_001127487.2); short protein forms E216D.
Identifiers: ClinVar variation 3343599 (VCV003343599.1).

ClinVar aggregate classification (germline): Uncertain significance (1 of 4 stars; one submission).

gnomAD v4.1: 1 of 1,602,672 alleles (0.000062%); highest among the groups gnomAD compares: Admixed American, 0.0017%; no homozygotes.

Submission:

GeneDx
Classification: Uncertain significance. Last evaluated: 2023-05-18. Review status: criteria provided, single submitter. Criteria: GeneDx Variant Classification Process June 2021. Collection method: clinical testing. Allele origin: germline. Affected: yes.
Comment: Has not been previously published as pathogenic or benign to our knowledge; Not observed at significant frequency in large population cohorts (gnomAD); In silico analysis supports that this missense variant does not alter protein structure/function